The following is an entry in ClinVar:

NM_001206927.2(DNAH8):c.275C>A (p.Pro92Gln)

Genes: DNAH8 (dynein axonemal heavy chain 8; plus strand), LOC126859667 (BRD4-independent group 4 enhancer GRCh37_chr6:38690326-38691525; plus strand). Cytogenetic location: 6p21.2.
Variant type: single nucleotide variant.
Coding change: c.275C>A on transcript NM_001206927.2 (MANE Select); coding-DNA position 275, C replaced by A.
Protein change: p.Pro92Gln; replaces proline 92 with glutamine.
Molecular consequence: missense variant. On other transcripts: 5 prime UTR variant (1).
Genome position (GRCh38, 1-based): chr6:38,723,084, C>A. VCF-style: chr6-38723084-C-A. GRCh37 (hg19) VCF-style: chr6-38690860-C-A.
Other names: c.-292C>A (NM_001371.4); short protein forms P92Q.
Identifiers: ClinVar variation 4731315 (VCV004731315.1).

ClinVar aggregate classification (germline): Uncertain significance (1 of 4 stars; one submission).

Conditions:
Primary ciliary dyskinesia. Also called: Ciliary dyskinesia. Identifiers: Orphanet 244, MedGen C0008780, MONDO:0016575, HP:0012265.

Submission:

Labcorp Genetics (formerly Invitae), Labcorp
Classification: Uncertain significance for Primary ciliary dyskinesia. Last evaluated: 2025-11-17. Review status: criteria provided, single submitter. Criteria: Invitae Variant Classification Sherloc (09022015). Collection method: clinical testing. Allele origin: germline.
Comment: This sequence change replaces proline, which is neutral and non-polar, with glutamine, which is neutral and polar, at codon 92 of the DNAH8 protein (p.Pro92Gln). This variant is not present in population databases (gnomAD no frequency). This variant has not been reported in the literature in individuals affected with DNAH8-related conditions. An algorithm developed to predict the effect of missense changes on protein structure and function outputs the following: PolyPhen-2: "Not Available". The glutamine amino acid residue is found in multiple mammalian species, which suggests that this missense change does not adversely affect protein function. In summary, the available evidence is currently insufficient to determine the role of this variant in disease. Therefore, it has been classified as a Variant of Uncertain Significance.